The following is an entry in ClinVar:

ClinVar aggregate classification (germline): Conflicting classifications of pathogenicity. Review status: criteria provided, conflicting classifications (1 of 4 stars). 3 submissions from 3 submitters: Uncertain significance (1); Likely benign (2). Last evaluated 2026-01-11.

Conditions:
DNAH2-related disorder. Also called: DNAH2-related condition.
Inborn genetic diseases. Identifiers: MedGen C0950123, MeSH D030342.

Allele frequency attached by ClinVar (database versions not stated): gnomAD exomes 0.00007 and 0.00021; ExAC 0.00042; ESP Exome Variant Server 0.00069; gnomAD 0.00088 and 0.00093; TOPMed 0.00093; 1000 Genomes Project 30x 0.00109; 1000 Genomes Project 0.00120.
gnomAD v4.1: 242 of 1,610,800 alleles (0.015%); highest among the groups gnomAD compares: African/African-American, 0.28%; 2 homozygotes.

Submissions (3):

PreventionGenetics, part of Exact Sciences
Classification: Likely benign for DNAH2-related condition. Last evaluated: 2026-01-11. Review status: criteria provided, single submitter. Criteria: ACMG Guidelines, 2015. Collection method: clinical testing. Allele origin: germline.
Comment: This variant is classified as likely benign based on ACMG/AMP sequence variant interpretation guidelines (Richards et al. 2015 PMID: 25741868, with internal and published modifications).

Ambry Genetics
Classification: Uncertain significance for Inborn genetic diseases. Last evaluated: 2025-08-12. Review status: criteria provided, single submitter. Criteria: Ambry Variant Classification Scheme 2023. Collection method: clinical testing. Allele origin: germline.

Labcorp Genetics (formerly Invitae), Labcorp
Classification: Likely benign. Last evaluated: 2018-01-08. Review status: criteria provided, single submitter. Criteria: Invitae Variant Classification Sherloc (09022015). Collection method: clinical testing. Allele origin: germline.

NM_020877.5(DNAH2):c.4813C>T (p.Pro1605Ser)

Gene: DNAH2 (dynein axonemal heavy chain 2; plus strand). Cytogenetic location: 17p13.1.
Variant type: single nucleotide variant.
Coding change: c.4813C>T on transcript NM_020877.5 (MANE Select); coding-DNA position 4813, C replaced by T.
Protein change: p.Pro1605Ser; replaces proline 1605 with serine.
Molecular consequence: missense variant.
Genome position (GRCh38, 1-based): chr17:7,775,334, C>T. VCF-style: chr17-7775334-C-T. GRCh37 (hg19) VCF-style: chr17-7678652-C-T.
Other names: c.4813C>T (NM_020877.2); short protein forms P1605S.
Identifiers: ClinVar variation 715312 (VCV000715312.5), dbSNP rs150496167, ClinGen allele CA8357236.